The following is an entry in ClinVar:

ClinVar aggregate classification (germline): Uncertain significance. Review status: criteria provided, multiple submitters, no conflicts (2 of 4 stars). 2 submissions from 2 submitters: Uncertain significance (2). Last evaluated 2025-08-08.

Conditions:
Inborn genetic diseases. Identifiers: MedGen C0950123, MeSH D030342.

Allele frequency attached by ClinVar (database versions not stated): gnomAD exomes below 0.00001.
gnomAD v4.1: 2 of 1,609,836 alleles (0.00012%); highest among the groups gnomAD compares: Non-Finnish European, 0.00017%; no homozygotes.

Submissions (2):

Ambry Genetics
Classification: Uncertain significance for Inborn genetic diseases. Last evaluated: 2025-08-08. Review status: criteria provided, single submitter. Criteria: Ambry Variant Classification Scheme 2023. Collection method: clinical testing. Allele origin: germline.
Comment: The p.N261D variant (also known as c.781A>G), located in coding exon 4 of the FANCM gene, results from an A to G substitution at nucleotide position 781. The asparagine at codon 261 is replaced by aspartic acid, an amino acid with highly similar properties. This amino acid position is conserved. In addition, this alteration is predicted to be tolerated by in silico analysis. Based on the available evidence, the clinical significance of this variant remains unclear.

GeneDx
Classification: Uncertain significance. Last evaluated: 2023-10-05. Review status: criteria provided, single submitter. Criteria: GeneDx Variant Classification Process June 2021. Collection method: clinical testing. Allele origin: germline. Affected: yes.
Comment: Not observed at significant frequency in large population cohorts (gnomAD); In silico analysis supports that this missense variant has a deleterious effect on protein structure/function; Has not been previously published as pathogenic or benign to our knowledge

NM_020937.4(FANCM):c.781A>G (p.Asn261Asp)

Gene: FANCM (FA complementation group M; plus strand). Cytogenetic location: 14q21.2.
Variant type: single nucleotide variant.
Coding change: c.781A>G on transcript NM_020937.4 (MANE Select); coding-DNA position 781, A replaced by G.
Protein change: p.Asn261Asp; replaces asparagine 261 with aspartic acid.
Molecular consequence: missense variant.
Genome position (GRCh38, 1-based): chr14:45,148,858, A>G. VCF-style: chr14-45148858-A-G. GRCh37 (hg19) VCF-style: chr14-45618061-A-G.
Other names: c.703A>G, p.Asn235Asp (NM_001308133.2); c.781A>G, p.Asn261Asp (NM_001308134.2); short protein forms N235D, N261D.
Identifiers: ClinVar variation 3253062 (VCV003253062.2), dbSNP rs1886617898.
Genomic context (GRCh38, chr14:45,148,858, plus strand): 5'-ACATGTAGTTTATAATCATACTTAATTGATTTCATATAGGCTGTGCAACAAGTTATTACT[A>G]ACCTGCTAATTGGGCAGATAGAGCTTCGTTCTGAAGATTCTCCAGATATTTTGACATATT-3'
Protein context (NP_065988.1, residues 251-271): DIKAVQQVIT[Asn261Asp]LLIGQIELRS